The following is an entry in ClinVar:

ClinVar aggregate classification (germline): Likely benign. Review status: criteria provided, single submitter (1 of 4 stars). 2 submissions from 2 submitters: Likely benign (1). 1 of the submissions does not count toward it. Last evaluated 2024-12-12.

Conditions:
PTDSS1-related disorder. Also called: PTDSS1-related condition.

Allele frequency attached by ClinVar (database versions not stated): ExAC 0.00002; gnomAD 0.00002; gnomAD exomes 0.00003; TOPMed 0.00003.
gnomAD v4.1: 54 of 1,613,880 alleles (0.0033%); highest among the groups gnomAD compares: Admixed American, 0.012%; no homozygotes.

Submissions (2):

Labcorp Genetics (formerly Invitae), Labcorp
Classification: Likely benign. Last evaluated: 2024-12-12. Review status: criteria provided, single submitter. Criteria: Invitae Variant Classification Sherloc (09022015). Collection method: clinical testing. Allele origin: germline.

PreventionGenetics, part of Exact Sciences
Classification: Likely benign for PTDSS1-related condition. Last evaluated: 2019-06-26. Review status: no assertion criteria provided. Collection method: clinical testing. Allele origin: germline. Not counted in ClinVar's aggregate classification.
Comment: This variant is classified as likely benign based on ACMG/AMP sequence variant interpretation guidelines (Richards et al. 2015 PMID: 25741868, with internal and published modifications).

NM_014754.3(PTDSS1):c.1017C>T (p.Tyr339=)

Gene: PTDSS1 (phosphatidylserine synthase 1; plus strand). Cytogenetic location: 8q22.1.
Variant type: single nucleotide variant.
Coding change: c.1017C>T on transcript NM_014754.3 (MANE Select); coding-DNA position 1017, C replaced by T.
Protein change: p.Tyr339=; no amino-acid change (tyrosine 339 retained).
Molecular consequence: synonymous variant.
Genome position (GRCh38, 1-based): chr8:96,309,566, C>T. VCF-style: chr8-96309566-C-T. GRCh37 (hg19) VCF-style: chr8-97321794-C-T.
Other names: c.1017C>T (NM_014754.2); c.579C>T, p.Tyr193= (NM_001290225.2).
Identifiers: ClinVar variation 1594143 (VCV001594143.10), dbSNP rs745991363, ClinGen allele CA4816714.
Genomic context (GRCh38, chr8:96,309,566, plus strand): 5'-ACTTGCTGGTCTTCCAGCAGCTCTCAATGAATTCCAACTTTGTTCTTTCAGACAGTACTA[C>T]GCTTACCTCACCGACACACAGTGCAAGCGCGTAGGAACACAATGCTGGGTGTTTGGGTGA-3'
Protein context (NP_055569.1, residues 329-349): GITAPTVRQY[Tyr339=]AYLTDTQCKR